The following is an entry in ClinVar:

ClinVar aggregate classification (germline): Pathogenic (1 of 4 stars; one submission).

Conditions:
Hereditary cancer-predisposing syndrome. Also called: Neoplastic Syndromes, Hereditary; Tumor predisposition; Hereditary neoplastic syndrome; Hereditary Cancer Syndrome. Identifiers: Orphanet 140162, MedGen C0027672, MeSH D009386, MONDO:0015356.
Cardiovascular phenotype. Identifiers: MedGen CN230736.

Submission:

Ambry Genetics
Classification: Pathogenic for Cardiovascular phenotype; Hereditary cancer-predisposing syndrome. Last evaluated: 2023-05-22. Review status: criteria provided, single submitter. Criteria: Ambry Variant Classification Scheme 2023. Collection method: clinical testing. Allele origin: germline.
Comment: The c.1761_1762delTC pathogenic mutation, located in coding exon 16 of the NF1 gene, results from a deletion of two nucleotides at nucleotide positions 1761 to 1762, causing a translational frameshift with a predicted alternate stop codon (p.S587Rfs*5). This alteration is expected to result in loss of function by premature protein truncation or nonsense-mediated mRNA decay. As such, this alteration is interpreted as a disease-causing mutation.

NM_001042492.3(NF1):c.1761_1762del (p.Ser587fs)

Gene: NF1 (neurofibromin 1; plus strand). Cytogenetic location: 17q11.2.
Variant type: Deletion.
Coding change: c.1761_1762del on transcript NM_001042492.3 (MANE Select); coding-DNA positions 1761 to 1762, 2 bases deleted (TC; older notation c.1761_1762delTC).
Protein change: p.Ser587fs; shifts the reading frame from serine 587.
Molecular consequence: frameshift variant.
Genome position (GRCh38, 1-based): chr17:31,223,483-31,223,484, TC deleted. VCF-style (leftmost placement, unchanged base first): chr17-31223482-GTC-G. GRCh37 (hg19) VCF-style: chr17-29550500-GTC-G.
Other names: c.1761_1762delTC (NM_000267.3); c.1761_1762delTC, p.Ser587Argfs (NM_000267.4); short protein forms S587fs.
Identifiers: ClinVar variation 3238443 (VCV003238443.1), dbSNP rs2508125407.